The following is an entry in ClinVar:

NM_001458.5(FLNC):c.3376C>G (p.Pro1126Ala)

Gene: FLNC (filamin C; plus strand). Cytogenetic location: 7q32.1.
Variant type: single nucleotide variant.
Coding change: c.3376C>G on transcript NM_001458.5 (MANE Select); coding-DNA position 3376, C replaced by G.
Protein change: p.Pro1126Ala; replaces proline 1126 with alanine.
Molecular consequence: missense variant.
Genome position (GRCh38, 1-based): chr7:128,844,841, C>G. VCF-style: chr7-128844841-C-G. GRCh37 (hg19) VCF-style: chr7-128484895-C-G.
Other names: c.3376C>G, p.Pro1126Ala (NM_001127487.2); short protein forms P1126A.
Identifiers: ClinVar variation 569381 (VCV000569381.17), dbSNP rs748785077, ClinGen allele CA4475027.
Genomic context (GRCh38, chr7:128,844,841, plus strand): 5'-AAGATCGAGTGCCAGGACAATGGTGATGGCTCATGTGCTGTCAGCTACCTGCCCACGGAG[C>G]CTGGCGAGTACACCATCAACATCCTGTTTGCTGAGGCCCACATCCCTGGCTCGCCCTTCA-3'
Protein context (NP_001449.3, residues 1116-1136): SCAVSYLPTE[Pro1126Ala]GEYTINILFA

ClinVar aggregate classification (germline): Uncertain significance. Review status: criteria provided, multiple submitters, no conflicts (2 of 4 stars). 5 submissions from 5 submitters: Uncertain significance (5). Last evaluated 2025-07-23.

Conditions:
FLNC-related disorder. Also called: FLNC-related condition; FLNC-related disorders.
Dilated Cardiomyopathy, Dominant.
Hypertrophic cardiomyopathy 26. Also called: Cardiomyopathy, familial hypertrophic, 26. Identifiers: Orphanet 75249, MedGen C4310749, MONDO:0014883, OMIM 617047.
Distal myopathy with posterior leg and anterior hand involvement. Also called: WILLIAMS DISTAL MYOPATHY. Identifiers: Orphanet 63273, MedGen C3279722, MONDO:0013550, OMIM 614065.
Myofibrillar myopathy 5. Also called: Filaminopathy (type); FILAMINOPATHY, AUTOSOMAL DOMINANT. Identifiers: Orphanet 171445, MedGen C1836050, MONDO:0012289, OMIM 609524.
Cardiovascular phenotype. Identifiers: MedGen CN230736.
Cardiomyopathy (CMYO). Also called: Cardiomyopathies. Identifiers: Orphanet 167848, MedGen C0878544, MONDO:0004994, HP:0001638. Inheritance: Various modes of inheritance.

Allele frequency attached by ClinVar (database versions not stated): TOPMed below 0.00001; ExAC 0.00001; gnomAD exomes 0.00001; gnomAD 0.00003.
gnomAD v4.1: 27 of 1,614,124 alleles (0.0017%); highest among the groups gnomAD compares: Non-Finnish European, 0.0019%; no homozygotes.

Submissions (5):

PreventionGenetics, part of Exact Sciences
Classification: Uncertain significance for FLNC-related condition. Last evaluated: 2025-07-23. Review status: criteria provided, single submitter. Criteria: ACMG Guidelines, 2015. Collection method: clinical testing. Allele origin: germline.
Comment: The FLNC c.3376C>G variant is predicted to result in the amino acid substitution p.Pro1126Ala. To our knowledge, this variant has not been reported in the literature. This variant is reported in 0.0031% of alleles in individuals of European (Non-Finnish) descent in gnomAD. At this time, the clinical significance of this variant is uncertain due to the absence of conclusive functional and genetic evidence.

Ambry Genetics
Classification: Uncertain significance for Cardiovascular phenotype. Last evaluated: 2025-04-11. Review status: criteria provided, single submitter. Criteria: Ambry Variant Classification Scheme 2023. Collection method: clinical testing. Allele origin: germline.
Comment: The p.P1126A variant (also known as c.3376C>G), located in coding exon 21 of the FLNC gene, results from a C to G substitution at nucleotide position 3376. The proline at codon 1126 is replaced by alanine, an amino acid with highly similar properties. This amino acid position is well conserved in available vertebrate species. In addition, this alteration is predicted to be tolerated by in silico analysis. Based on the available evidence, the clinical significance of this variant remains unclear.

Blueprint Genetics
Classification: Uncertain significance. Last evaluated: 2024-07-29. Review status: criteria provided, single submitter. Criteria: ACMG Guidelines, 2015. Collection method: clinical testing. Allele origin: germline.

Labcorp Genetics (formerly Invitae), Labcorp
Classification: Uncertain significance for Distal myopathy with posterior leg and anterior hand involvement; Myofibrillar myopathy 5; Hypertrophic cardiomyopathy 26. Last evaluated: 2024-05-06. Review status: criteria provided, single submitter. Criteria: Invitae Variant Classification Sherloc (09022015). Collection method: clinical testing. Allele origin: germline.
Comment: This sequence change replaces proline, which is neutral and non-polar, with alanine, which is neutral and non-polar, at codon 1126 of the FLNC protein (p.Pro1126Ala). This variant is present in population databases (rs748785077, gnomAD 0.002%). This variant has not been reported in the literature in individuals affected with FLNC-related conditions. ClinVar contains an entry for this variant (Variation ID: 569381). Advanced modeling of protein sequence and biophysical properties (such as structural, functional, and spatial information, amino acid conservation, physicochemical variation, residue mobility, and thermodynamic stability) has been performed at Invitae for this missense variant, however the output from this modeling did not meet the statistical confidence thresholds required to predict the impact of this variant on FLNC protein function. In summary, the available evidence is currently insufficient to determine the role of this variant in disease. Therefore, it has been classified as a Variant of Uncertain Significance.

CHEO Genetics Diagnostic Laboratory, Children's Hospital of Eastern Ontario
Classification: Uncertain significance for Cardiomyopathy. Last evaluated: 2021-11-24. Review status: criteria provided, single submitter. Criteria: ACMG Guidelines, 2015. Collection method: clinical testing. Allele origin: germline.